The following is an entry in ClinVar:

ClinVar aggregate classification (germline): Likely benign (1 of 4 stars; one submission).

Allele frequency attached by ClinVar (database versions not stated): gnomAD exomes 0.00118; gnomAD 0.01169 and 0.01250; 1000 Genomes Project 0.01298; 1000 Genomes Project 30x 0.01343; TOPMed 0.01352.
gnomAD v4.1: 2,675 of 879,698 alleles (0.3%); highest among the groups gnomAD compares: African/African-American, 4.1%; 55 homozygotes.

Submission:

GeneDx
Classification: Likely benign. Last evaluated: 2018-06-19. Review status: criteria provided, single submitter. Criteria: GeneDx Variant Classification (06012015). Collection method: clinical testing. Allele origin: germline. Affected: yes.
Comment: This variant is considered likely benign or benign based on one or more of the following criteria: it is a conservative change, it occurs at a poorly conserved position in the protein, it is predicted to be benign by multiple in silico algorithms, and/or has population frequency not consistent with disease.

NM_001032283.3(TMPO):c.565+107A>T

Gene: TMPO (thymopoietin; plus strand). Cytogenetic location: 12q23.1.
Variant type: single nucleotide variant.
Coding change: c.565+107A>T on transcript NM_001032283.3 (MANE Select); 107 bases into the intron after coding-DNA position 565, A replaced by T.
Molecular consequence: intron variant.
Genome position (GRCh38, 1-based): chr12:98,531,945, A>T. VCF-style: chr12-98531945-A-T. GRCh37 (hg19) VCF-style: chr12-98925723-A-T.
Other names: c.565+107A>T (NM_003276.2, NM_001307975.2, NM_001032284.3).
Identifiers: ClinVar variation 676624 (VCV000676624.1), dbSNP rs114920815, ClinGen allele CA242223769.